The following is an entry in ClinVar:

ClinVar aggregate classification (germline): Conflicting classifications of pathogenicity. Review status: criteria provided, conflicting classifications (1 of 4 stars). 6 submissions from 6 submitters: Uncertain significance (1); Likely benign (4). 1 of the submissions does not count toward it. Last evaluated 2025-09-17.

Conditions:
Autosomal recessive limb-girdle muscular dystrophy type 2P. Also called: MUSCULAR DYSTROPHY, LIMB-GIRDLE, TYPE 2P; MUSCULAR DYSTROPHY-DYSTROGLYCANOPATHY, LIMB-GIRDLE, DAG1-RELATED; Limb-Girdle Muscular Dystrophy Type 9C. Identifiers: Orphanet 280333, MedGen C4511963, MONDO:0013440, OMIM 613818.
Muscular dystrophy-dystroglycanopathy (congenital with brain and eye anomalies), type A9. Also called: Muscular dystrophy-dystroglycanopathy (congenital with brain and eye anomalies), type a, 9; WALKER-WARBURG SYNDROME OR MUSCLE-EYE BRAIN DISEASE, DAG1-RELATED. Identifiers: Orphanet 370997, Orphanet 899, MedGen C4225291, MONDO:0014683, OMIM 616538.

Allele frequency attached by ClinVar (database versions not stated): TOPMed 0.00003; gnomAD 0.00006 and 0.00009; ESP Exome Variant Server 0.00008; ExAC 0.00011; 1000 Genomes Project 30x 0.00094; 1000 Genomes Project 0.00100.
gnomAD v4.1: 82 of 1,614,100 alleles (0.0051%); highest among the groups gnomAD compares: East Asian, 0.033%; 1 homozygote.

Submissions (6):

Labcorp Genetics (formerly Invitae), Labcorp
Classification: Likely benign for Autosomal recessive limb-girdle muscular dystrophy type 2P; Muscular dystrophy-dystroglycanopathy (congenital with brain and eye anomalies), type A9. Last evaluated: 2025-09-17. Review status: criteria provided, single submitter. Criteria: Invitae Variant Classification Sherloc (09022015). Collection method: clinical testing. Allele origin: germline.

Mayo Clinic Laboratories, Mayo Clinic
Classification: Likely benign. Last evaluated: 2024-12-31. Review status: criteria provided, single submitter. Criteria: ACMG Guidelines, 2015. Collection method: clinical testing. Allele origin: germline. Observed: 1 variant allele.
Comment: BP4, BP7

CeGaT Center for Human Genetics Tuebingen
Classification: Likely benign. Last evaluated: 2024-03-01. Review status: criteria provided, single submitter. Criteria: CeGaT Center For Human Genetics Tuebingen Variant Classification Criteria Version 2. Collection method: clinical testing. Allele origin: germline. Affected: yes. Observed: 1 variant allele.
Comment: DAG1: BP4, BP7

Blueprint Genetics
Classification: Likely benign. Last evaluated: 2023-12-29. Review status: criteria provided, single submitter. Criteria: ACMG Guidelines, 2015. Collection method: clinical testing. Allele origin: germline.

Eurofins Ntd Llc (ga)
Classification: Uncertain significance. Last evaluated: 2015-01-06. Review status: criteria provided, single submitter. Criteria: EGL Classification Definitions 2015. Collection method: clinical testing. Allele origin: germline. Observed: 1 variant allele, 1 heterozygote.

Leiden Muscular Dystrophy (DAG1)
No classification provided. Last evaluated: 2011-05-13. Review status: no classification provided. Collection method: curation. Allele origin: unknown. Not counted in ClinVar's aggregate classification.

NM_004393.6(DAG1):c.1773C>T (p.Phe591=)

Gene: DAG1 (dystroglycan 1; plus strand). Cytogenetic location: 3p21.31.
Variant type: single nucleotide variant.
Coding change: c.1773C>T on transcript NM_004393.6 (MANE Select); coding-DNA position 1773, C replaced by T.
Protein change: p.Phe591=; no amino-acid change (phenylalanine 591 retained).
Molecular consequence: synonymous variant.
Genome position (GRCh38, 1-based): chr3:49,532,284, C>T. VCF-style: chr3-49532284-C-T. GRCh37 (hg19) VCF-style: chr3-49569717-C-T.
Other names: p.Phe591=; c.1773C>T, p.Phe591= (NM_001177644.3, NM_001165928.4, NM_001177634.3 and 9 more transcripts).
Identifiers: ClinVar variation 31756 (VCV000031756.38), dbSNP rs2229010, ClinGen allele CA215252.